The following is an entry in ClinVar:

ClinVar aggregate classification (germline): Benign (1 of 4 stars; one submission).

Conditions:
Isolated focal non-epidermolytic palmoplantar keratoderma. Also called: Palmoplantar keratoderma, nonepidermolytic, focal 2. Identifiers: Orphanet 448264, MedGen C4225339, MONDO:0014622, OMIM 616400.

Allele frequency attached by ClinVar (database versions not stated): 1000 Genomes Project 0.00060; gnomAD 0.00133 and 0.00131; TOPMed 0.00124; 1000 Genomes Project 30x 0.00078.

Submission:

Illumina Laboratory Services, Illumina
Classification: Benign for Isolated focal non-epidermolytic palmoplantar keratoderma. Last evaluated: 2018-01-13. Review status: criteria provided, single submitter. Criteria: ICSL Variant Classification Criteria 13 December 2019. Collection method: clinical testing. Allele origin: germline.
Comment: This variant was observed in the ICSL laboratory as part of a predisposition screen in an ostensibly healthy population. It had not been previously curated by ICSL or reported in the Human Gene Mutation Database (HGMD: prior to June 1st, 2018), and was therefore a candidate for classification through an automated scoring system. Utilizing variant allele frequency, disease prevalence and penetrance estimates, and inheritance mode, an automated score was calculated to assess if this variant is too frequent to cause the disease. Based on the score and internal cut-off values, a variant classified as benign is not then subjected to further curation. The score for this variant resulted in a classification of benign for this disease.

NM_145068.4(TRPV3):c.*2783G>A

Genes: SPATA22 (spermatogenesis associated 22; minus strand), TRPV3 (transient receptor potential cation channel subfamily V member 3; minus strand). Cytogenetic location: 17p13.2.
Variant type: single nucleotide variant.
Coding change: c.*2783G>A on transcript NM_145068.4 (MANE Select); 2783 bases downstream of the stop codon, G replaced by A.
Molecular consequence: 3 prime UTR variant. On other transcripts: intron variant (2).
Genome position (GRCh38, 1-based): chr17:3,511,134, C>T on the plus strand (G>A on the coding strand, the complement: TRPV3 is on the minus strand). VCF-style: chr17-3511134-C-T. GRCh37 (hg19) VCF-style: chr17-3414428-C-T.
Other names: c.*2783G>A (NM_001258205.2); c.-74+2278G>A (NM_001321336.2, NM_001321337.2).
Identifiers: ClinVar variation 322686 (VCV000322686.7), dbSNP rs182187548, ClinGen allele CA10639379.
Genomic context (GRCh38, chr17:3,511,134, plus strand): 5'-ACACCTTCCCCTGAAATTACTGAAATGTCAATCACGGAGTTTTAGGATGTCCTGATAGAC[C>T]CACGGGTTCAACGGGGTGTGTGTGGGGGCTGAGGGTGTGTGTGTGCATGGGTGTGGTTTT-3'